The following is an entry in ClinVar:

NM_001395413.1(POR):c.711C>T (p.Gly237=)

Gene: POR (cytochrome p450 oxidoreductase; plus strand). Cytogenetic location: 7q11.23.
Variant type: single nucleotide variant.
Coding change: c.711C>T on transcript NM_001395413.1 (MANE Select); coding-DNA position 711, C replaced by T.
Protein change: p.Gly237=; no amino-acid change (glycine 237 retained).
Molecular consequence: synonymous variant.
Genome position (GRCh38, 1-based): chr7:75,981,595, C>T. VCF-style: chr7-75981595-C-T. GRCh37 (hg19) VCF-style: chr7-75610913-C-T.
Other names: c.711C>T, p.Gly237= (NM_001367562.3, NM_001382657.2, NM_001382658.3 and 2 more transcripts); c.765C>T, p.Gly255= (NM_001382655.3).
Identifiers: ClinVar variation 1424100 (VCV001424100.9), dbSNP rs374115833, ClinGen allele CA160904276.

ClinVar aggregate classification (germline): Likely benign. Review status: criteria provided, multiple submitters, no conflicts (2 of 4 stars). 2 submissions from 2 submitters: Likely benign (2). Last evaluated 2026-07-01.

Conditions:
Congenital adrenal hyperplasia due to cytochrome P450 oxidoreductase deficiency. Also called: DISORDERED STEROIDOGENESIS DUE TO POR DEFICIENCY. Identifiers: Orphanet 95699, MedGen C1860042, MONDO:0013310, OMIM 613571.

Allele frequency attached by ClinVar (database versions not stated): gnomAD 0.00002; ESP Exome Variant Server 0.00008.
gnomAD v4.1: 33 of 1,612,698 alleles (0.002%); highest among the groups gnomAD compares: African/African-American, 0.008%; no homozygotes.

Submissions (2):

CeGaT Center for Human Genetics Tuebingen
Classification: Likely benign. Last evaluated: 2026-07-01. Review status: criteria provided, single submitter. Criteria: CeGaT Center For Human Genetics Tuebingen Variant Classification Criteria Version 2. Collection method: clinical testing. Allele origin: germline. Affected: yes. Observed: 1 variant allele.
Comment: POR: BP4, BP7

Labcorp Genetics (formerly Invitae), Labcorp
Classification: Likely benign for Congenital adrenal hyperplasia due to cytochrome P450 oxidoreductase deficiency. Last evaluated: 2025-12-28. Review status: criteria provided, single submitter. Criteria: Invitae Variant Classification Sherloc (09022015). Collection method: clinical testing. Allele origin: germline.